The following is an entry in ClinVar:

ClinVar aggregate classification (germline): Likely pathogenic (1 of 4 stars; one submission).

Conditions:
Tyrosinemia type I (TYRSN1). Also called: Tyrosinemia type 1; Fumarylacetoacetase deficiency; Deficiency of fumarylacetoacetase; FAH DEFICIENCY; HEPATORENAL TYROSINEMIA. Identifiers: Orphanet 882, MedGen C0268490, MONDO:0010161, OMIM 276700. Disease mechanism: loss of function.

Submission:

Labcorp Genetics (formerly Invitae), Labcorp
Classification: Likely pathogenic for Tyrosinemia type I. Last evaluated: 2021-09-23. Review status: criteria provided, single submitter. Criteria: Invitae Variant Classification Sherloc (09022015). Collection method: clinical testing. Allele origin: germline.
Comment: In summary, the currently available evidence indicates that the variant is pathogenic, but additional data are needed to prove that conclusively. Therefore, this variant has been classified as Likely Pathogenic. This sequence change affects a donor splice site in intron 11 of the FAH gene. It is expected to disrupt RNA splicing. Variants that disrupt the donor or acceptor splice site typically lead to a loss of protein function (PMID: 16199547), and loss-of-function variants in FAH are known to be pathogenic (PMID: 9101289, 9633815). This variant is not present in population databases (ExAC no frequency). This variant has not been reported in the literature in individuals affected with FAH-related conditions. Algorithms developed to predict the effect of sequence changes on RNA splicing suggest that this variant may disrupt the consensus splice site.

Literature cited by the submitters: PubMed 16199547; PubMed 9101289; PubMed 9633815.

NM_000137.4(FAH):c.960+2T>C

Gene: FAH (fumarylacetoacetate hydrolase; plus strand). Cytogenetic location: 15q25.1.
Variant type: single nucleotide variant.
Coding change: c.960+2T>C on transcript NM_000137.4 (MANE Select); the canonical splice donor site of the intron after coding-DNA position 960, T replaced by C.
Molecular consequence: splice donor variant.
Genome position (GRCh38, 1-based): chr15:80,177,585, T>C. VCF-style: chr15-80177585-T-C. GRCh37 (hg19) VCF-style: chr15-80469927-T-C.
Other names: c.960+2T>C (NM_001374377.1, NM_001374380.1).
Identifiers: ClinVar variation 1493931 (VCV001493931.6), dbSNP rs2142105542, ClinGen allele CA393621632.
Genomic context (GRCh38, chr15:80,177,585, plus strand): 5'-TCTTTCCAACAGGAGAAGGAATGAGCCAGGCGGCTACCATATGCAAGTCCAATTTTAAGG[T>C]AAGCTTTGACGCTGATCAGACTGCTTTTTAGAATTGAGGGAAAGAGAGACTTTTCTTCCT-3'